The following is an entry in ClinVar:

NM_000531.6(OTC):c.261_262del (p.Arg89fs)

Gene: OTC (ornithine transcarbamylase; plus strand). Cytogenetic location: Xp11.4.
Variant type: Microsatellite.
Coding change: c.261_262del on transcript NM_000531.6 (MANE Select); coding-DNA positions 261 to 262, 2 bases deleted (GA; older notation c.261_262delGA).
Protein change: p.Arg89fs; shifts the reading frame from arginine 89.
Molecular consequence: frameshift variant.
Genome position (GRCh38, 1-based): chrX:38,369,840-38,369,841, GA deleted; deleting any 2 consecutive bases within chrX:38,369,838-38,369,841 gives the same sequence; the c. name uses the placement nearest the transcript's 3' end. VCF-style (leftmost placement, unchanged base first): chrX-38369837-TGA-T. GRCh37 (hg19) VCF-style: chrX-38229090-TGA-T.
Other names: c.259_260GA[1], p.Arg89Lysfs (NM_001407092.1); short protein forms R89fs.
Identifiers: ClinVar variation 1725161 (VCV001725161.2), dbSNP rs2519952395, ClinGen allele CA2580616976.
Genomic context (GRCh38, chrX:38,369,837, plus strand): 5'-TCTTGTCCTTGATTTATAGTATTTGCCTTTATTGCAAGGGAAGTCCTTAGGCATGATTTT[TGA>T]GAAAAGAAGTACTCGAACAAGATTGTCTACAGAAACAGGTAAGTCCACTGCCAAATTCAC-3'

ClinVar aggregate classification (germline): Likely pathogenic (1 of 4 stars; one submission).

Conditions:
Ornithine carbamoyltransferase deficiency (OTCD). Also called: ORNITHINE TRANSCARBAMYLASE DEFICIENCY; ORNITHINE TRANSCARBAMYLASE DEFICIENCY, HYPERAMMONEMIA DUE TO; OTC DEFICIENCY; Ornithine Carbamoyltransferase Deficiency Disease. Identifiers: Orphanet 664, MedGen C0268542, MONDO:0010703, OMIM 311250.

Submission:

Myriad Genetics, Inc.
Classification: Likely pathogenic for Ornithine carbamoyltransferase deficiency. Last evaluated: 2022-03-10. Review status: criteria provided, single submitter. Criteria: Myriad Women's Health Autosomal Recessive and X-Linked Classification Criteria (2021). Collection method: clinical testing. Allele origin: unknown.
Comment: NM_000531.5(OTC):c.261_262delGA(R89Kfs*33) is expected to be pathogenic in the context of ornithine transcarbamylase deficiency. This variant is predicted to lead to an abnormal or absent protein product due to the creation of a premature termination codon in OTC, a gene where loss-of-function variants are known to be pathogenic. Please note: this variant was assessed in the context of healthy population screening.